The following is an entry in ClinVar:

ClinVar aggregate classification (germline): Uncertain significance (1 of 4 stars; one submission).

Conditions:
Glycogen storage disease, type II (IOPD). Also called: Pompe Disease; CARDIOMEGALIA GLYCOGENICA DIFFUSA; GLYCOGENOSIS, GENERALIZED, CARDIAC FORM; GSD II; POMPE DISEASE, INFANTILE-ONSET; GLYCOGEN STORAGE DISEASE II, INFANTILE-ONSET. Identifiers: Orphanet 365, MedGen C0017921, MONDO:0009290, OMIM 232300.

Submission:

Genomenon, Inc
Classification: Uncertain significance for Glycogen storage disease, type II. Last evaluated: 2026-07-01. Review status: criteria provided, single submitter. Criteria: Genomenon Sequence Variant Interpretation Standards - Updated. Collection method: curation. Allele origin: germline.
Comment: GAA p.His295Gln (c.885C>G) is a missense variant that changes the amino acid at codon 295 from Histidine to Glutamine. This variant has been reported in the compound heterozygous and/or homozygous state in an individual without a confirmed diagnosis of Pompe disease (PMID:18607768). It is absent or not present at a significant frequency in gnomAD. In conclusion, we classify GAA p.His295Gln (c.885C>G) as a variant of uncertain significance.

Literature cited by the submitters: PubMed 18607768.

NM_000152.5(GAA):c.885C>G (p.His295Gln)

Gene: GAA (alpha glucosidase; plus strand). Cytogenetic location: 17q25.3.
Variant type: single nucleotide variant.
Coding change: c.885C>G on transcript NM_000152.5 (MANE Select); coding-DNA position 885, C replaced by G.
Protein change: p.His295Gln; replaces histidine 295 with glutamine.
Molecular consequence: missense variant.
Genome position (GRCh38, 1-based): chr17:80,107,826, C>G. VCF-style: chr17-80107826-C-G. GRCh37 (hg19) VCF-style: chr17-78081625-C-G.
Other names: c.885C>G, p.His295Gln (NM_001079803.3, NM_001079804.3, NM_001406741.1 and 1 more transcripts); short protein forms H295Q.
Identifiers: ClinVar variation 4876546 (VCV004876546.1).